The following is an entry in ClinVar:

ClinVar aggregate classification (germline): Pathogenic (1 of 4 stars; one submission).

Conditions:
Complex cortical dysplasia with other brain malformations 1. Identifiers: Orphanet 300570, MedGen C3808397, MONDO:0013541, OMIM 614039.

Submission:

Pediatrics, Sichuan Provincial Hospital For Women And Children
Classification: Pathogenic for Complex cortical dysplasia with other brain malformations 1. Last evaluated: 2023-07-05. Review status: criteria provided, single submitter. Criteria: ACMG Guidelines, 2015. Collection method: provider interpretation. Allele origin: de novo. Affected: yes.

Literature cited by the submitters: PubMed 29382549.

NC_000016.10:g.89944064G>A

Variant type: single nucleotide variant.
Genome position: GRCh38 VCF-style: chr16-89944064-G-A. GRCh37 (hg19) VCF-style: chr16-90010472-G-A.
Other names: TUBB3.
Identifiers: ClinVar variation 2579671 (VCV002579671.2), dbSNP rs2544633415, ClinGen allele CA2580617894.